The following is an entry in ClinVar:

ClinVar aggregate classification (germline): Uncertain significance (1 of 4 stars; one submission).

Conditions:
Cystic fibrosis (CF). Also called: MUCOVISCIDOSIS. Identifiers: Orphanet 586, MedGen C0010674, MONDO:0009061, OMIM 219700. Disease mechanism: loss of function.

Submission:

Ambry Genetics
Classification: Uncertain significance for Cystic fibrosis. Last evaluated: 2025-05-02. Review status: criteria provided, single submitter. Criteria: Ambry Variant Classification Scheme 2023. Collection method: clinical testing. Allele origin: germline.
Comment: The p.Q1423H variant (also known as c.4269G>C), located in coding exon 27 of the CFTR gene, results from a G to C substitution at nucleotide position 4269. The glutamine at codon 1423 is replaced by histidine, an amino acid with highly similar properties. This amino acid position is conserved. In addition, the in silico prediction for this alteration is inconclusive. Based on the available evidence, the clinical significance of this variant remains unclear.

NM_000492.4(CFTR):c.4269G>C (p.Gln1423His)

Genes: CFTR (CF transmembrane conductance regulator; plus strand), LOC111674477 (CFTR intron 23 enhancer; plus strand). Cytogenetic location: 7q31.2.
Variant type: single nucleotide variant.
Coding change: c.4269G>C on transcript NM_000492.4 (MANE Select); coding-DNA position 4269, G replaced by C.
Protein change: p.Gln1423His; replaces glutamine 1423 with histidine.
Molecular consequence: missense variant.
Genome position (GRCh38, 1-based): chr7:117,666,934, G>C. VCF-style: chr7-117666934-G-C. GRCh37 (hg19) VCF-style: chr7-117306988-G-C.
Other names: short protein forms Q1423H.
Identifiers: ClinVar variation 4001855 (VCV004001855.1).
Genomic context (GRCh38, chr7:117,666,934, plus strand): 5'-CTGTCCCAGATCTCACTAACAGCCATTTCCCTAGGTCATAGAAGAGAACAAAGTGCGGCA[G>C]TACGATTCCATCCAGAAACTGCTGAACGAGAGGAGCCTCTTCCGGCAAGCCATCAGCCCC-3'
Protein context (NP_000483.3, residues 1413-1433): FLVIEENKVR[Gln1423His]YDSIQKLLNE